The following is an entry in ClinVar:

NM_000257.4(MYH7):c.2174T>C (p.Leu725Pro)

Gene: MYH7 (myosin heavy chain 7; minus strand). Cytogenetic location: 14q11.2.
Variant type: single nucleotide variant.
Coding change: c.2174T>C on transcript NM_000257.4 (MANE Select); coding-DNA position 2174, T replaced by C.
Protein change: p.Leu725Pro; replaces leucine 725 with proline.
Molecular consequence: missense variant.
Genome position (GRCh38, 1-based): chr14:23,425,807, A>G on the plus strand (T>C on the coding strand, the complement: MYH7 is on the minus strand). VCF-style: chr14-23425807-A-G. GRCh37 (hg19) VCF-style: chr14-23895016-A-G.
Other names: short protein forms L725P.
Identifiers: ClinVar variation 132913 (VCV000132913.2), dbSNP rs606231335, ClinGen allele CA011873.

ClinVar aggregate classification (germline): Likely pathogenic (0 of 4 stars; one submission).

Conditions:
Familial cardiomyopathy. Identifiers: MedGen C0264789, MONDO:0005217.

Submission:

Evolutionary and Medical Genetics Laboratory,  Centre for Cellular and Molecular Biology
Classification: Likely pathogenic. Review status: no assertion criteria provided. Collection method: not provided. Allele origin: unknown.
Comment: Missense mutation/Non-synonymous
ClinVar note: Converted during submission from probable-pathogenic to Likely pathogenic.